The following is an entry in ClinVar:

NM_001323289.2(CDKL5):c.2151A>G (p.Arg717=)

Gene: CDKL5 (cyclin dependent kinase like 5; plus strand). Cytogenetic location: Xp22.13.
Variant type: single nucleotide variant.
Coding change: c.2151A>G on transcript NM_001323289.2 (MANE Select); coding-DNA position 2151, A replaced by G.
Protein change: p.Arg717=; no amino-acid change (arginine 717 retained).
Molecular consequence: synonymous variant.
Genome position (GRCh38, 1-based): chrX:18,609,569, A>G. VCF-style: chrX-18609569-A-G. GRCh37 (hg19) VCF-style: chrX-18627689-A-G.
Other names: NM_001323289.2(CDKL5):c.2151A>G; p.Arg717=; c.2151A>G (NM_003159.2); c.2151A>G, p.Arg717= (NM_001037343.2, NM_003159.3).
Identifiers: ClinVar variation 286706 (VCV000286706.16), dbSNP rs886043453, ClinGen allele CA10605540.

ClinVar aggregate classification (germline): Likely pathogenic. Review status: reviewed by expert panel (3 of 4 stars). 4 submissions from 4 submitters: Likely pathogenic (1). 3 of the submissions do not count toward it. Last evaluated 2023-04-14.

Conditions:
Angelman syndrome-like. Identifiers: MedGen CN128785.
Developmental and epileptic encephalopathy, 2 (DEE2). Also called: INFANTILE SPASM SYNDROME, X-LINKED 2; CDKL5 deficiency disorder. Identifiers: Orphanet 1934, Orphanet 3451, Orphanet 505652, MedGen C4750718, MONDO:0010396, OMIM 300672.
CDKL5 disorder. Identifiers: MedGen CN296942, MONDO:0100039.

Submissions (5):

ClinGen Rett and Angelman-like Disorders Variant Curation Expert Panel
Classification: Likely pathogenic for CDKL5 disorder. Last evaluated: 2023-04-14. Review status: reviewed by expert panel. Criteria: ClinGen RettAS ACMG Specifications V2. Collection method: curation. Allele origin: germline. Inheritance: X-linked inheritance.
Comment: The p.Arg717= variant in CDKL5 occurs in the de novo state (biological parentage confirmed) in an individual (Invitae internal database )(PS2). The p.Arg717= variant in CDKL5 occurs in the de novo state (biological parentage unconfirmed) in an individual (GeneDx internal database). The p.Arg717= variant has been observed in at least 2 individuals with neurological disease (Invitae and GeneDx internal database). The p.Arg717= variant in CDKL5 is absent from gnomAD (PM2_supporting). In summary, the p.Arg717= variant in CDKL5 is classified as likely pathogenic for a CDKL5-related disorder based on the ACMG/AMP criteria (PS2, PS4_supporting, PM2_supporting).

Labcorp Genetics (formerly Invitae), Labcorp
Classification: Likely pathogenic for Developmental and epileptic encephalopathy, 2; Angelman syndrome-like. Last evaluated: 2023-10-03. Review status: criteria provided, single submitter. Criteria: Invitae Variant Classification Sherloc (09022015). Collection method: clinical testing. Allele origin: germline. Not counted in ClinVar's aggregate classification.
Comment: This sequence change affects codon 717 of the CDKL5 mRNA. It is a 'silent' change, meaning that it does not change the encoded amino acid sequence of the CDKL5 protein. It affects a nucleotide within the consensus splice site. This variant is not present in population databases (gnomAD no frequency). This variant has been observed in individual(s) with clinical features of CDKL5-related conditions (Invitae). In at least one individual the variant was observed to be de novo. ClinVar contains an entry for this variant (Variation ID: 286706). Algorithms developed to predict the effect of sequence changes on RNA splicing suggest that this variant is not likely to affect RNA splicing. In summary, the currently available evidence indicates that the variant is pathogenic, but additional data are needed to prove that conclusively. Therefore, this variant has been classified as Likely Pathogenic.

GeneDx
Classification: Uncertain significance. Last evaluated: 2022-11-02. Review status: criteria provided, single submitter. Criteria: GeneDx Variant Classification Process June 2021. Collection method: clinical testing. Allele origin: germline. Affected: yes. Not counted in ClinVar's aggregate classification.
Comment: Not observed at significant frequency in large population cohorts (gnomAD); In silico analysis supports that this variant does not alter splicing; Has not been previously published as pathogenic or benign to our knowledge

Eurofins Ntd Llc (ga)
Classification: Uncertain significance. Last evaluated: 2016-03-25. Review status: criteria provided, single submitter. Criteria: EGL Classification Definitions 2015. Collection method: clinical testing. Allele origin: germline. Observed: 1 variant allele, 1 heterozygote. Not counted in ClinVar's aggregate classification.

Dr. Peter K. Rogan Lab, Western University
No classification provided (evidence only). Condition: Nonpapillary renal cell carcinoma. Review status: no classification provided. Collection method: in vitro. Allele origin: not applicable. Functional consequence: retained intron. Not counted in ClinVar's aggregate classification.